The following is an entry in ClinVar:

NM_003737.4(DCHS1):c.7801G>A (p.Val2601Ile)

Gene: DCHS1 (dachsous cadherin-related 1; minus strand). Cytogenetic location: 11p15.4.
Variant type: single nucleotide variant.
Coding change: c.7801G>A on transcript NM_003737.4 (MANE Select); coding-DNA position 7801, G replaced by A.
Protein change: p.Val2601Ile; replaces valine 2601 with isoleucine.
Molecular consequence: missense variant.
Genome position (GRCh38, 1-based): chr11:6,623,875, C>T on the plus strand (G>A on the coding strand, the complement: DCHS1 is on the minus strand). VCF-style: chr11-6623875-C-T. GRCh37 (hg19) VCF-style: chr11-6645106-C-T.
Other names: short protein forms V2601I.
Identifiers: ClinVar variation 2974185 (VCV002974185.3), dbSNP rs137963411, ClinGen allele CA5859542.

ClinVar aggregate classification (germline): Uncertain significance (1 of 4 stars; one submission).

Allele frequency attached by ClinVar (database versions not stated): 1000 Genomes Project 0.00020; ExAC 0.00012; 1000 Genomes Project 30x 0.00016.

Submission:

Labcorp Genetics (formerly Invitae), Labcorp
Classification: Uncertain significance. Last evaluated: 2025-09-22. Review status: criteria provided, single submitter. Criteria: Invitae Variant Classification Sherloc (09022015). Collection method: clinical testing. Allele origin: germline.
Comment: This sequence change replaces valine, which is neutral and non-polar, with isoleucine, which is neutral and non-polar, at codon 2601 of the DCHS1 protein (p.Val2601Ile). This variant is present in population databases (rs137963411, gnomAD 0.2%). This variant has not been reported in the literature in individuals affected with DCHS1-related conditions. ClinVar contains an entry for this variant (Variation ID: 2974185). Invitae Evidence Modeling of protein sequence and biophysical properties (such as structural, functional, and spatial information, amino acid conservation, physicochemical variation, residue mobility, and thermodynamic stability) indicates that this missense variant is not expected to disrupt DCHS1 protein function with a negative predictive value of 80%. In summary, the available evidence is currently insufficient to determine the role of this variant in disease. Therefore, it has been classified as a Variant of Uncertain Significance.